The following is an entry in ClinVar:

ClinVar aggregate classification (germline): Uncertain significance (1 of 4 stars; one submission).

Conditions:
Orofaciodigital syndrome 20. Also called: Orofaciodigital syndrome XX. Identifiers: MedGen C5935578, MONDO:0958230, OMIM 620718.

Submission:

MVZ Martinsried, Medicover Genetics
Classification: Uncertain significance for Orofaciodigital syndrome 20. Last evaluated: 2025-05-14. Review status: criteria provided, single submitter. Criteria: ACGS Guidelines, 2020. Collection method: clinical testing. Allele origin: inherited. Affected: yes. Observed: 1 homozygote.
Comment: PM2_Supporting, PM3_Supporting, PM4, PP4

NM_031934.6(RAB34):c.457_459del (p.Glu153del)

Gene: RAB34 (RAB34, member RAS oncogene family; minus strand). Cytogenetic location: 17q11.2.
Variant type: Deletion.
Coding change: c.457_459del on transcript NM_031934.6 (MANE Select); coding-DNA positions 457 to 459, 3 bases deleted (GAG; older notation c.457_459delGAG).
Protein change: p.Glu153del; deletes glutamic acid 153.
Molecular consequence: inframe deletion. On other transcripts: 3 prime UTR variant (1).
Genome position (GRCh38, 1-based): chr17:28,715,249-28,715,251, CTC deleted on the plus strand (GAG on the coding strand, the reverse complement: RAB34 is on the minus strand); deleting any 3 consecutive bases within chr17:28,715,249-28,715,253 gives the same sequence; the c. name uses the placement nearest the transcript's 3' end. VCF-style (leftmost placement, unchanged base first): chr17-28715248-TCTC-T. GRCh37 (hg19) VCF-style: chr17-27042266-TCTC-T.
Other names: c.457_459delGAG (NM_031934.6); c.628_630del, p.Glu210del (NM_001142624.2, NM_001144943.1); c.631_633del, p.Glu211del (NM_001142625.2); c.457_459del, p.Glu153del (NM_001144942.2, NM_001256277.2, NM_001256278.1); c.391_393del, p.Glu131del (NM_001256276.2); c.*305_*307del (NM_001256281.3); short protein forms E131del, E153del, E211del, E210del.
Identifiers: ClinVar variation 3258081 (VCV003258081.2).